The following is an entry in ClinVar:

ClinVar aggregate classification (germline): Likely benign (0 of 4 stars; one submission).

Conditions:
MUC16-related disorder. Also called: MUC16-related condition.

Allele frequency attached by ClinVar (database versions not stated): gnomAD 0.00001; TOPMed 0.00001; gnomAD exomes 0.00002; ExAC 0.00003; 1000 Genomes Project 30x 0.00016; 1000 Genomes Project 0.00020.

Submission:

PreventionGenetics, part of Exact Sciences
Classification: Likely benign for MUC16-related condition. Last evaluated: 2019-05-24. Review status: no assertion criteria provided. Collection method: clinical testing. Allele origin: germline.
Comment: This variant is classified as likely benign based on ACMG/AMP sequence variant interpretation guidelines (Richards et al. 2015 PMID: 25741868, with internal and published modifications).

NM_001401501.2(MUC16):c.36804C>T (p.Ser12268=)

Gene: MUC16 (mucin 16, cell surface associated; minus strand). Cytogenetic location: 19p13.2.
Variant type: single nucleotide variant.
Coding change: c.36804C>T on transcript NM_001401501.2 (MANE Select); coding-DNA position 36804, C replaced by T.
Protein change: p.Ser12268=; no amino-acid change (serine 12268 retained).
Molecular consequence: synonymous variant.
Genome position (GRCh38, 1-based): chr19:8,916,592, G>A on the plus strand (C>T on the coding strand, the complement: MUC16 is on the minus strand). VCF-style: chr19-8916592-G-A. GRCh37 (hg19) VCF-style: chr19-9027268-G-A.
Other names: c.37230C>T, p.Ser12410= (NM_001414686.1); c.36684C>T, p.Ser12228= (NM_001414687.1); c.36618C>T, p.Ser12206= (NM_024690.2).
Identifiers: ClinVar variation 3039644 (VCV003039644.2), dbSNP rs539274979, ClinGen allele CA9165670.